The following is an entry in ClinVar:

NM_206933.4(USH2A):c.12683C>T (p.Thr4228Ile)

Gene: USH2A (usherin; minus strand). Cytogenetic location: 1q41.
Variant type: single nucleotide variant.
Coding change: c.12683C>T on transcript NM_206933.4 (MANE Select); coding-DNA position 12683, C replaced by T.
Protein change: p.Thr4228Ile; replaces threonine 4228 with isoleucine.
Molecular consequence: missense variant.
Genome position (GRCh38, 1-based): chr1:215,675,228, G>A on the plus strand (C>T on the coding strand, the complement: USH2A is on the minus strand). VCF-style: chr1-215675228-G-A. GRCh37 (hg19) VCF-style: chr1-215848570-G-A.
Other names: c.12683C>T (NM_206933.2); short protein forms T4228I.
Identifiers: ClinVar variation 2145950 (VCV002145950.2), dbSNP rs779707651, ClinGen allele CA1393425.

ClinVar aggregate classification (germline): Uncertain significance. Review status: criteria provided, multiple submitters, no conflicts (2 of 4 stars). 2 submissions from 2 submitters: Uncertain significance (2). Last evaluated 2025-04-05.

Conditions:
Inborn genetic diseases. Identifiers: MedGen C0950123, MeSH D030342.

Allele frequency attached by ClinVar (database versions not stated): gnomAD exomes 0.00001; TOPMed below 0.00001; ExAC 0.00001.
gnomAD v4.1: 21 of 1,614,156 alleles (0.0013%); highest among the groups gnomAD compares: Middle Eastern, 0.13%; no homozygotes.

Submissions (2):

Ambry Genetics
Classification: Uncertain significance for Inborn genetic diseases. Last evaluated: 2025-04-05. Review status: criteria provided, single submitter. Criteria: Ambry Variant Classification Scheme 2023. Collection method: clinical testing. Allele origin: germline.

Labcorp Genetics (formerly Invitae), Labcorp
Classification: Uncertain significance. Last evaluated: 2022-03-10. Review status: criteria provided, single submitter. Criteria: Invitae Variant Classification Sherloc (09022015). Collection method: clinical testing. Allele origin: germline.
Comment: This sequence change replaces threonine, which is neutral and polar, with isoleucine, which is neutral and non-polar, at codon 4228 of the USH2A protein (p.Thr4228Ile). This variant is present in population databases (rs779707651, gnomAD 0.002%). This variant has not been reported in the literature in individuals affected with USH2A-related conditions. Algorithms developed to predict the effect of missense changes on protein structure and function are either unavailable or do not agree on the potential impact of this missense change (SIFT: "Deleterious"; PolyPhen-2: "Possibly Damaging"; Align-GVGD: "Class C0"). In summary, the available evidence is currently insufficient to determine the role of this variant in disease. Therefore, it has been classified as a Variant of Uncertain Significance.